The following is an entry in ClinVar:

ClinVar aggregate classification (germline): Likely pathogenic (1 of 4 stars; one submission).

Conditions:
Hand-foot-genital syndrome (HFG). Also called: HFU syndrome; HFG syndrome; Hand-Foot-Uterus Syndrome. Identifiers: Orphanet 2438, MedGen C1841679, MONDO:0007698, OMIM 140000.

Submission:

Victorian Clinical Genetics Services, Murdoch Childrens Research Institute
Classification: Likely pathogenic for Hand-foot-genital syndrome. Last evaluated: 2020-05-21. Review status: criteria provided, single submitter. Criteria: ACMG Guidelines, 2015. Collection method: clinical testing. Allele origin: germline. Inheritance: Autosomal dominant inheritance.
Comment: A heterozygous duplication variant was identified, NM_000522.4(HOXA13):c.741dup in exon 1 of 2 of the HOXA13 gene. This duplication is predicted to cause a frameshift from amino acid position 248 introducing a stop codon downstream; NP_000513.2(HOXA13):p.(Gly248Trpfs*73), resulting in loss of normal protein function through truncation (one third of the protein, including the functional homeodomain (NCBI, PDB)). The variant is not present in the gnomAD population database and has not been previously observed in clinical cases. Other truncating variants downstream of this variant, have been reported as pathogenic in individuals with hand and foot abnormalities (ClinVar, Goodman, FR. et al. (2000), Mortlock, DP. and Innis, JW. (1997)). Based on information available at the time of curation, this variant has been classified as LIKELY PATHOGENIC.

Literature cited by the submitters: PubMed 9020844; PubMed 10839976.

NM_000522.5(HOXA13):c.741dup (p.Gly248fs)

Genes: HOXA13 (homeobox A13; minus strand), LOC107126288 (NUP98-HOXA13 recombination region; plus strand). Cytogenetic location: 7p15.2.
Variant type: Duplication.
Coding change: c.741dup on transcript NM_000522.5 (MANE Select); coding-DNA position 741, one base duplicated (T; older notation c.741dupT).
Protein change: p.Gly248fs; shifts the reading frame from glycine 248.
Molecular consequence: frameshift variant.
Genome position (GRCh38, 1-based): chr7:27,199,337, A duplicated on the plus strand (T on the coding strand, the reverse complement: HOXA13 is on the minus strand). VCF-style (leftmost placement, unchanged base first): chr7-27199336-C-CA. GRCh37 (hg19) VCF-style: chr7-27238955-C-CA.
Other names: short protein forms G248fs.
Identifiers: ClinVar variation 1805747 (VCV001805747.1), dbSNP rs2534826601, ClinGen allele CA923726194.